The following is an entry in ClinVar:

NM_020822.3(KCNT1):c.3040G>A (p.Glu1014Lys)

Gene: KCNT1 (potassium sodium-activated channel subfamily T member 1; plus strand). Cytogenetic location: 9q34.3.
Variant type: single nucleotide variant.
Coding change: c.3040G>A on transcript NM_020822.3 (MANE Select); coding-DNA position 3040, G replaced by A.
Protein change: p.Glu1014Lys; replaces glutamic acid 1014 with lysine.
Molecular consequence: missense variant.
Genome position (GRCh38, 1-based): chr9:135,784,773, G>A. VCF-style: chr9-135784773-G-A. GRCh37 (hg19) VCF-style: chr9-138676619-G-A.
Other names: c.2905G>A, p.Glu969Lys (NM_001272003.2); short protein forms E1014K, E969K.
Identifiers: ClinVar variation 2329678 (VCV002329678.5), dbSNP rs745590718, ClinGen allele CA5327594.

ClinVar aggregate classification (germline): Conflicting classifications of pathogenicity. Review status: criteria provided, conflicting classifications (1 of 4 stars). 2 submissions from 2 submitters: Uncertain significance (1); Likely benign (1). Last evaluated 2025-02-02.

Conditions:
Inborn genetic diseases. Identifiers: MedGen C0950123, MeSH D030342.
Autosomal dominant nocturnal frontal lobe epilepsy 5. Also called: CILIARY DYSKINESIA, PRIMARY, 28, WITHOUT SITUS INVERSUS; CILIARY DYSKINESIA, PRIMARY, 28, WITH SITUS INVERSUS; Epilepsy, nocturnal frontal lobe, 5; KCNT1-Related Epilepsy. Identifiers: Orphanet 98784, MedGen C3554306, MONDO:0014002, OMIM 615005.
Developmental and epileptic encephalopathy, 14 (DEE14). Also called: Early infantile epileptic encephalopathy 14. Identifiers: Orphanet 293181, MedGen C3554195, MONDO:0013989, OMIM 614959.

Allele frequency attached by ClinVar (database versions not stated): gnomAD 0.00001; gnomAD exomes 0.00001; ExAC 0.00003.
gnomAD v4.1: 11 of 1,612,480 alleles (0.00068%); highest among the groups gnomAD compares: East Asian, 0.0045%; no homozygotes.

Submissions (2):

Labcorp Genetics (formerly Invitae), Labcorp
Classification: Uncertain significance for Autosomal dominant nocturnal frontal lobe epilepsy 5; Developmental and epileptic encephalopathy, 14. Last evaluated: 2025-02-02. Review status: criteria provided, single submitter. Criteria: Invitae Variant Classification Sherloc (09022015). Collection method: clinical testing. Allele origin: germline.
Comment: This sequence change replaces glutamic acid, which is acidic and polar, with lysine, which is basic and polar, at codon 1014 of the KCNT1 protein (p.Glu1014Lys). This variant is present in population databases (rs745590718, gnomAD 0.01%). This variant has not been reported in the literature in individuals affected with KCNT1-related conditions. ClinVar contains an entry for this variant (Variation ID: 2329678). Invitae Evidence Modeling of protein sequence and biophysical properties (such as structural, functional, and spatial information, amino acid conservation, physicochemical variation, residue mobility, and thermodynamic stability) indicates that this missense variant is not expected to disrupt KCNT1 protein function with a negative predictive value of 80%. In summary, the available evidence is currently insufficient to determine the role of this variant in disease. Therefore, it has been classified as a Variant of Uncertain Significance.

Ambry Genetics
Classification: Likely benign for Inborn genetic diseases. Last evaluated: 2022-11-30. Review status: criteria provided, single submitter. Criteria: Ambry Variant Classification Scheme 2023. Collection method: clinical testing. Allele origin: germline.